The following is an entry in ClinVar:

ClinVar aggregate classification (germline): Likely benign. Review status: criteria provided, multiple submitters, no conflicts (2 of 4 stars). 2 submissions from 2 submitters: Likely benign (2). Last evaluated 2026-04-10.

Conditions:
DICER1-related tumor predisposition. Also called: DICER1-related pleuropulmonary blastoma cancer predisposition syndrome; DICER1 syndrome. Identifiers: Orphanet 284343, MedGen C3839822, MONDO:0100216.

Allele frequency attached by ClinVar (database versions not stated): TOPMed 0.00002; gnomAD 0.00002.
gnomAD v4.1: 3 of 1,594,520 alleles (0.00019%); highest among the groups gnomAD compares: African/African-American, 0.004%; no homozygotes.

Submissions (2):

Myriad Genetics, Inc.
Classification: Likely benign for DICER1-related tumor predisposition. Last evaluated: 2026-04-10. Review status: criteria provided, single submitter. Criteria: Myriad Autosomal Dominant, Autosomal Recessive and X-Linked Classification Criteria (2023). Collection method: clinical testing. Allele origin: unknown.
Comment: This variant is considered likely benign. This variant is intronic and is not expected to impact mRNA splicing.

Labcorp Genetics (formerly Invitae), Labcorp
Classification: Likely benign for DICER1-related tumor predisposition. Last evaluated: 2026-01-05. Review status: criteria provided, single submitter. Criteria: Invitae Variant Classification Sherloc (09022015). Collection method: clinical testing. Allele origin: germline.

NM_177438.3(DICER1):c.904-14T>C

Gene: DICER1 (dicer 1, ribonuclease III; minus strand). Cytogenetic location: 14q32.13.
Variant type: single nucleotide variant.
Coding change: c.904-14T>C on transcript NM_177438.3 (MANE Select); 14 bases into the intron before coding-DNA position 904, T replaced by C.
Molecular consequence: intron variant.
Genome position (GRCh38, 1-based): chr14:95,124,682, A>G on the plus strand (T>C on the coding strand, the complement: DICER1 is on the minus strand). VCF-style: chr14-95124682-A-G. GRCh37 (hg19) VCF-style: chr14-95591019-A-G.
Other names: c.904-14T>C (NM_001291628.2, NM_030621.4, NM_001271282.3 and 1 more transcripts).
Identifiers: ClinVar variation 1611849 (VCV001611849.10), dbSNP rs1228210238, ClinGen allele CA710134460.